The following is an entry in ClinVar:

NM_020937.4(FANCM):c.2548A>G (p.Ile850Val)

Gene: FANCM (FA complementation group M; plus strand). Cytogenetic location: 14q21.2.
Variant type: single nucleotide variant.
Coding change: c.2548A>G on transcript NM_020937.4 (MANE Select); coding-DNA position 2548, A replaced by G.
Protein change: p.Ile850Val; replaces isoleucine 850 with valine.
Molecular consequence: missense variant.
Genome position (GRCh38, 1-based): chr14:45,175,302, A>G. VCF-style: chr14-45175302-A-G. GRCh37 (hg19) VCF-style: chr14-45644505-A-G.
Other names: c.2470A>G, p.Ile824Val (NM_001308133.2); short protein forms I824V, I850V.
Identifiers: ClinVar variation 1363996 (VCV001363996.8), dbSNP rs2139242181, ClinGen allele CA389598086.
Genomic context (GRCh38, chr14:45,175,302, plus strand): 5'-ATAGAATCTGATGAAGAATGTGCTGAAATTGTTAAACAAACTCATATCAAACCTACTAAA[A>G]TTGTTTCTTTAAAGAAAAAAGTGTCTAAAGAAATAAAAAAAGATCAGCTTAAAAAAGAAA-3'
Protein context (NP_065988.1, residues 840-860): VKQTHIKPTK[Ile850Val]VSLKKKVSKE

ClinVar aggregate classification (germline): Uncertain significance (1 of 4 stars; one submission).

Conditions:
Fanconi anemia (FA). Also called: Fanconi's anemia. Identifiers: Orphanet 84, MedGen C0015625, MeSH D005199, MONDO:0019391.

Allele frequency attached by ClinVar (database versions not stated): gnomAD exomes below 0.00001.
gnomAD v4.1: 1 of 1,574,198 alleles (0.000064%); highest among the groups gnomAD compares: Non-Finnish European, 0.000086%; no homozygotes.

Submission:

Labcorp Genetics (formerly Invitae), Labcorp
Classification: Uncertain significance for Fanconi anemia. Last evaluated: 2022-01-28. Review status: criteria provided, single submitter. Criteria: Invitae Variant Classification Sherloc (09022015). Collection method: clinical testing. Allele origin: germline.
Comment: In summary, the available evidence is currently insufficient to determine the role of this variant in disease. Therefore, it has been classified as a Variant of Uncertain Significance. Algorithms developed to predict the effect of missense changes on protein structure and function (SIFT, PolyPhen-2, Align-GVGD) all suggest that this variant is likely to be tolerated. This variant has not been reported in the literature in individuals affected with FANCM-related conditions. This variant is not present in population databases (gnomAD no frequency). This sequence change replaces isoleucine, which is neutral and non-polar, with valine, which is neutral and non-polar, at codon 850 of the FANCM protein (p.Ile850Val).